The following is an entry in ClinVar:

NM_006445.4(PRPF8):c.4673C>T (p.Thr1558Met)

Gene: PRPF8 (pre-mRNA processing factor 8; minus strand). Cytogenetic location: 17p13.3.
Variant type: single nucleotide variant.
Coding change: c.4673C>T on transcript NM_006445.4 (MANE Select); coding-DNA position 4673, C replaced by T.
Protein change: p.Thr1558Met; replaces threonine 1558 with methionine.
Molecular consequence: missense variant.
Genome position (GRCh38, 1-based): chr17:1,660,544, G>A on the plus strand (C>T on the coding strand, the complement: PRPF8 is on the minus strand). VCF-style: chr17-1660544-G-A. GRCh37 (hg19) VCF-style: chr17-1563838-G-A.
Other names: short protein forms T1558M.
Identifiers: ClinVar variation 2503323 (VCV002503323.1), dbSNP rs763913212, ClinGen allele CA8271606.

ClinVar aggregate classification (germline): Uncertain significance (1 of 4 stars; one submission).

Allele frequency attached by ClinVar (database versions not stated): gnomAD exomes below 0.00001; TOPMed below 0.00001; ExAC 0.00001.
gnomAD v4.1: 1 of 1,614,192 alleles (0.000062%); highest among the groups gnomAD compares: Non-Finnish European, 0.000085%; no homozygotes.

Submission:

GeneDx
Classification: Uncertain significance. Last evaluated: 2022-11-23. Review status: criteria provided, single submitter. Criteria: GeneDx Variant Classification Process June 2021. Collection method: clinical testing. Allele origin: germline. Affected: yes.
Comment: Not observed at significant frequency in large population cohorts (gnomAD); In silico analysis supports that this missense variant has a deleterious effect on protein structure/function; Has not been previously published as pathogenic or benign to our knowledge